The following is an entry in ClinVar:

NM_015164.4(PLEKHM2):c.709G>A (p.Glu237Lys)

Gene: PLEKHM2 (pleckstrin homology and RUN domain containing M2; plus strand). Cytogenetic location: 1p36.21.
Variant type: single nucleotide variant.
Coding change: c.709G>A on transcript NM_015164.4 (MANE Select); coding-DNA position 709, G replaced by A.
Protein change: p.Glu237Lys; replaces glutamic acid 237 with lysine.
Molecular consequence: missense variant.
Genome position (GRCh38, 1-based): chr1:15,721,385, G>A. VCF-style: chr1-15721385-G-A. GRCh37 (hg19) VCF-style: chr1-16047880-G-A.
Other names: short protein forms E237K.
Identifiers: ClinVar variation 1969713 (VCV001969713.5), dbSNP rs1292003356, ClinGen allele CA338582229.

ClinVar aggregate classification (germline): Uncertain significance (1 of 4 stars; one submission).

gnomAD v4.1: 6 of 1,563,342 alleles (0.00038%); highest among the groups gnomAD compares: Non-Finnish European, 0.00052%; no homozygotes.

Submission:

Labcorp Genetics (formerly Invitae), Labcorp
Classification: Uncertain significance. Last evaluated: 2022-10-25. Review status: criteria provided, single submitter. Criteria: Invitae Variant Classification Sherloc (09022015). Collection method: clinical testing. Allele origin: germline.
Comment: This sequence change replaces glutamic acid, which is acidic and polar, with lysine, which is basic and polar, at codon 237 of the PLEKHM2 protein (p.Glu237Lys). The frequency data for this variant in the population databases is considered unreliable, as metrics indicate poor data quality at this position in the gnomAD database. This variant has not been reported in the literature in individuals affected with PLEKHM2-related conditions. Algorithms developed to predict the effect of missense changes on protein structure and function are either unavailable or do not agree on the potential impact of this missense change (SIFT: "Tolerated"; PolyPhen-2: "Possibly Damaging"; Align-GVGD: "Class C0"). Algorithms developed to predict the effect of sequence changes on RNA splicing suggest that this variant may create or strengthen a splice site. In summary, the available evidence is currently insufficient to determine the role of this variant in disease. Therefore, it has been classified as a Variant of Uncertain Significance.